The following is an entry in ClinVar:

NM_001267550.2(TTN):c.12955G>A (p.Ala4319Thr)

Gene: TTN (titin; minus strand). Cytogenetic location: 2q31.2.
Variant type: single nucleotide variant.
Coding change: c.12955G>A on transcript NM_001267550.2 (MANE Select); coding-DNA position 12955, G replaced by A.
Protein change: p.Ala4319Thr; replaces alanine 4319 with threonine.
Molecular consequence: missense variant. On other transcripts: intron variant (1).
Genome position (GRCh38, 1-based): chr2:178,740,278, C>T on the plus strand (G>A on the coding strand, the complement: TTN is on the minus strand). VCF-style: chr2-178740278-C-T. GRCh37 (hg19) VCF-style: chr2-179605005-C-T.
Other names: c.12004G>A, p.Ala4002Thr (NM_001256850.1); c.11866G>A, p.Ala3956Thr (NM_003319.4); c.12241G>A, p.Ala4081Thr (NM_133432.3); c.12442G>A, p.Ala4148Thr (NM_133437.4); c.10361-1918G>A (NM_133378.4); short protein forms A3956T, A4319T, A4081T, A4148T, A4002T.
Identifiers: ClinVar variation 680400 (VCV000680400.20), dbSNP rs150137596, ClinGen allele CA2002646.

ClinVar aggregate classification (germline): Benign/Likely benign. Review status: criteria provided, multiple submitters, no conflicts (2 of 4 stars). 8 submissions from 5 submitters: Benign (6); Likely benign (1). 1 of the submissions does not count toward it. Last evaluated 2025-12-29.

Conditions:
TTN-related disorder. Also called: TTN-related disorders; TTN-related condition; TTN-related disease.
Autosomal recessive limb-girdle muscular dystrophy type 2J (LGMDR10). Also called: Limb-girdle muscular dystrophy, type 2J; MUSCULAR DYSTROPHY, LIMB-GIRDLE, AUTOSOMAL RECESSIVE 10. Identifiers: Orphanet 140922, MedGen C1837342, MONDO:0012127, OMIM 608807.
Dilated cardiomyopathy 1G (CMD1G). Identifiers: Orphanet 154, MedGen C1858763, MONDO:0011400, OMIM 604145.
Myopathy, myofibrillar, 9, with early respiratory failure (MFM9). Also called: Hereditary myopathy with early respiratory failure; EDSTROM MYOPATHY; MYOPATHY, PROXIMAL, WITH EARLY RESPIRATORY MUSCLE INVOLVEMENT; Myopathy, distal, with early respiratory failure, autosomal dominant. Identifiers: Orphanet 178464, Orphanet 34521, MedGen C1863599, MONDO:0011362, OMIM 603689.
Early-onset myopathy with fatal cardiomyopathy (CMYO5). Also called: Salih Myopathy; CONGENITAL MYOPATHY 5 WITH CARDIOMYOPATHY. Identifiers: Orphanet 289377, MedGen C2673677, MONDO:0012714, OMIM 611705. Disease mechanism: loss of function.
Tibial muscular dystrophy (TMD). Also called: Udd Distal Myopathy – Tibial Muscular Dystrophy; Tibial muscular dystrophy, tardive; UDD MYOPATHY. Identifiers: Orphanet 609, MedGen C1838244, MONDO:0010870, OMIM 600334.

Allele frequency attached by ClinVar (database versions not stated): gnomAD 0.00012 and 0.00021; TOPMed 0.00018; gnomAD exomes 0.00023 and 0.00052; 1000 Genomes Project 0.00040; 1000 Genomes Project 30x 0.00047; ExAC 0.00059.
gnomAD v4.1: 365 of 1,613,672 alleles (0.023%); highest among the groups gnomAD compares: East Asian, 0.8%; 2 homozygotes.

Submissions (8):

Labcorp Genetics (formerly Invitae), Labcorp
Classification: Benign for Dilated cardiomyopathy 1G; Autosomal recessive limb-girdle muscular dystrophy type 2J. Last evaluated: 2025-12-29. Review status: criteria provided, single submitter. Criteria: Invitae Variant Classification Sherloc (09022015). Collection method: clinical testing. Allele origin: germline.

Athena Diagnostics
Classification: Benign. Last evaluated: 2024-06-25. Review status: criteria provided, single submitter. Criteria: Athena Diagnostics Criteria. Collection method: clinical testing. Allele origin: unknown.

Genome-Nilou Lab
Classification: Benign for Autosomal recessive limb-girdle muscular dystrophy type 2J. Last evaluated: 2021-09-10. Review status: criteria provided, single submitter. Criteria: ACMG Guidelines, 2015. Collection method: clinical testing. Allele origin: germline. Affected: no.

Genome-Nilou Lab
Classification: Benign for Myopathy, myofibrillar, 9, with early respiratory failure. Last evaluated: 2021-09-10. Review status: criteria provided, single submitter. Criteria: ACMG Guidelines, 2015. Collection method: clinical testing. Allele origin: germline. Affected: no.

Genome-Nilou Lab
Classification: Benign for Early-onset myopathy with fatal cardiomyopathy. Last evaluated: 2021-09-10. Review status: criteria provided, single submitter. Criteria: ACMG Guidelines, 2015. Collection method: clinical testing. Allele origin: germline. Affected: no.

Genome-Nilou Lab
Classification: Benign for Tibial muscular dystrophy. Last evaluated: 2021-09-10. Review status: criteria provided, single submitter. Criteria: ACMG Guidelines, 2015. Collection method: clinical testing. Allele origin: germline. Affected: no.

GeneDx
Classification: Likely benign. Last evaluated: 2019-06-14. Review status: criteria provided, single submitter. Criteria: GeneDx Variant Classification Process June 2021. Collection method: clinical testing. Allele origin: germline. Affected: yes.

PreventionGenetics, part of Exact Sciences
Classification: Benign for TTN-related condition. Last evaluated: 2019-08-09. Review status: no assertion criteria provided. Collection method: clinical testing. Allele origin: germline. Not counted in ClinVar's aggregate classification.
Comment: This variant is classified as benign based on ACMG/AMP sequence variant interpretation guidelines (Richards et al. 2015 PMID: 25741868, with internal and published modifications).